The following is an entry in ClinVar:

ClinVar aggregate classification (germline): Uncertain significance (1 of 4 stars; one submission).

Conditions:
KCNQ5-related disorder. Also called: KCNQ5-related condition.

Submission:

PreventionGenetics, part of Exact Sciences
Classification: Uncertain significance for KCNQ5-related condition. Last evaluated: 2023-08-21. Review status: criteria provided, single submitter. Criteria: ACMG Guidelines, 2015. Collection method: clinical testing. Allele origin: germline.
Comment: The KCNQ5 c.2476A>G variant is predicted to result in the amino acid substitution p.Ser826Gly. To our knowledge, this variant has not been reported in the literature or in a large population database, indicating this variant is rare. At this time, the clinical significance of this variant is uncertain due to the absence of conclusive functional and genetic evidence.

NM_019842.4(KCNQ5):c.2419A>G (p.Ser807Gly)

Gene: KCNQ5 (potassium voltage-gated channel subfamily Q member 5; plus strand). Cytogenetic location: 6q13.
Variant type: single nucleotide variant.
Coding change: c.2419A>G on transcript NM_019842.4 (MANE Select); coding-DNA position 2419, A replaced by G.
Protein change: p.Ser807Gly; replaces serine 807 with glycine.
Molecular consequence: missense variant.
Genome position (GRCh38, 1-based): chr6:73,195,034, A>G. VCF-style: chr6-73195034-A-G. GRCh37 (hg19) VCF-style: chr6-73904757-A-G.
Other names: c.2392A>G, p.Ser798Gly (NM_001160130.2); c.2449A>G, p.Ser817Gly (NM_001160132.2); c.2476A>G, p.Ser826Gly (NM_001160133.2); c.2089A>G, p.Ser697Gly (NM_001160134.2); short protein forms S697G, S798G, S807G, S817G, S826G.
Identifiers: ClinVar variation 2630060 (VCV002630060.1), dbSNP rs2533932136, ClinGen allele CA364696269.